The following is an entry in ClinVar:

ClinVar aggregate classification (germline): Uncertain significance. Review status: criteria provided, multiple submitters, no conflicts (2 of 4 stars). 2 submissions from 2 submitters: Uncertain significance (2). Last evaluated 2021-08-31.

Conditions:
Arginase deficiency. Also called: ARGININEMIA; Arginase 1 Deficiency; ARG1 DEFICIENCY. Identifiers: Orphanet 90, MedGen C0268548, MONDO:0008814, OMIM 207800.

Allele frequency attached by ClinVar (database versions not stated): gnomAD exomes below 0.00001; ExAC 0.00001.
gnomAD v4.1: 1 of 1,614,126 alleles (0.000062%); highest among the groups gnomAD compares: South Asian, 0.0011%; no homozygotes.

Submissions (2):

Labcorp Genetics (formerly Invitae), Labcorp
Classification: Uncertain significance for Arginase deficiency. Last evaluated: 2021-08-31. Review status: criteria provided, single submitter. Criteria: Invitae Variant Classification Sherloc (09022015). Collection method: clinical testing. Allele origin: germline.
Comment: This sequence change replaces valine with leucine at codon 248 of the ARG1 protein (p.Val248Leu). The valine residue is highly conserved and there is a small physicochemical difference between valine and leucine. This variant is present in population databases (rs751567681, ExAC 0.006%). This missense change has been observed in individual(s) with clinical features of ARG1-related conditions (Invitae). Algorithms developed to predict the effect of missense changes on protein structure and function are either unavailable or do not agree on the potential impact of this missense change (SIFT: "Deleterious"; PolyPhen-2: "Possibly Damaging"; Align-GVGD: "Class C0"). In summary, the available evidence is currently insufficient to determine the role of this variant in disease. Therefore, it has been classified as a Variant of Uncertain Significance.

Blueprint Genetics
Classification: Uncertain significance. Last evaluated: 2018-04-30. Review status: criteria provided, single submitter. Criteria: ACMG Guidelines, 2015. Collection method: clinical testing. Allele origin: germline.

NM_000045.4(ARG1):c.742G>C (p.Val248Leu)

Genes: ARG1 (arginase 1; plus strand), MED23 (mediator complex subunit 23; minus strand). Cytogenetic location: 6q23.2.
Variant type: single nucleotide variant.
Coding change: c.742G>C on transcript NM_000045.4 (MANE Select); coding-DNA position 742, G replaced by C.
Protein change: p.Val248Leu; replaces valine 248 with leucine.
Molecular consequence: missense variant. On other transcripts: non-coding transcript variant (1), intron variant (2).
Genome position (GRCh38, 1-based): chr6:131,583,431, G>C. VCF-style: chr6-131583431-G-C. GRCh37 (hg19) VCF-style: chr6-131904571-G-C.
Other names: c.766G>C, p.Val256Leu (NM_001244438.2); c.487G>C, p.Val163Leu (NM_001369020.1); c.4077+4278C>G (NM_001270521.2); c.4095+4278C>G (NM_015979.4); short protein forms V248L, V256L, V163L.
Identifiers: ClinVar variation 860429 (VCV000860429.8), dbSNP rs751567681, ClinGen allele CA3999356.